The following is an entry in ClinVar:

ClinVar aggregate classification (germline): Likely benign. Review status: criteria provided, multiple submitters, no conflicts (2 of 4 stars). 3 submissions from 3 submitters: Likely benign (3). Last evaluated 2024-02-22.

Conditions:
RYR1-related disorder. Also called: RYR1-related disorders; RYR1-related condition. Identifiers: MedGen CN239331.
Malignant hyperthermia, susceptibility to, 1 (MHS1). Also called: Anesthesia related hyperthermia; Malignant hyperpyrexia; Fulminating hyperpyrexia; Pharmacogenic myopathy; RYR1-Related Malignant Hyperthermia Susceptibility; Malignant hyperthermia suceptibility 1. Identifiers: Orphanet 423, MedGen C2930980, MONDO:0007783, OMIM 145600.

Submissions (3):

All of Us Research Program, National Institutes of Health
Classification: Likely benign for Malignant hyperthermia, susceptibility to, 1. Last evaluated: 2024-02-22. Review status: criteria provided, single submitter. Criteria: ACMG Guidelines, 2015. Collection method: clinical testing. Allele origin: germline. Inheritance: Autosomal dominant inheritance. Observed: 1 variant allele, 1 heterozygote.
Comment: This study involves interpretation of variants in research participants for the purpose of population health screening. Participant phenotype was not available at the time of variant classification. Additional details can be found in publication PMID: 35346344, PMCID: PMC8962531

Labcorp Genetics (formerly Invitae), Labcorp
Classification: Likely benign for RYR1-related disorder. Last evaluated: 2023-09-21. Review status: criteria provided, single submitter. Criteria: Invitae Variant Classification Sherloc (09022015). Collection method: clinical testing. Allele origin: germline.

Color Diagnostics, LLC DBA Color Health
Classification: Likely benign for Malignant hyperthermia, susceptibility to, 1. Last evaluated: 2022-11-06. Review status: criteria provided, single submitter. Criteria: ACMG Guidelines, 2015. Collection method: clinical testing. Allele origin: germline.

NM_000540.3(RYR1):c.3772C>A (p.Arg1258=)

Gene: RYR1 (ryanodine receptor 1; plus strand). Cytogenetic location: 19q13.2.
Variant type: single nucleotide variant.
Coding change: c.3772C>A on transcript NM_000540.3 (MANE Select); coding-DNA position 3772, C replaced by A.
Protein change: p.Arg1258=; no amino-acid change (arginine 1258 retained).
Molecular consequence: synonymous variant.
Genome position (GRCh38, 1-based): chr19:38,473,383, C>A. VCF-style: chr19-38473383-C-A. GRCh37 (hg19) VCF-style: chr19-38964023-C-A.
Other names: c.3772C>A, p.Arg1258= (NM_001042723.2).
Identifiers: ClinVar variation 2889514 (VCV002889514.5), dbSNP rs1276512455, ClinGen allele CA507235428.
Genomic context (GRCh38, chr19:38,473,383, plus strand): 5'-CGGCCTGGCCTAGCCCGCCTGCCCAGCCCAGTACTCCATTCCCTGCCACCTCAGGTATCC[C>A]GAGTGGACGGCACTGTGGACACGCCCCCCTGCCTGCGCCTGACCCACCGCACCTGGGGCT-3'
Protein context (NP_000531.2, residues 1248-1268): PLEHPHYEVS[Arg1258=]VDGTVDTPPC